The following is an entry in ClinVar:

NM_001166108.2(PALLD):c.2891A>C (p.Asp964Ala)

Genes: CBR4 (carbonyl reductase 4; minus strand), PALLD (palladin, cytoskeletal associated protein; plus strand). Cytogenetic location: 4q32.3.
Variant type: single nucleotide variant.
Coding change: c.2891A>C on transcript NM_001166108.2 (MANE Select); coding-DNA position 2891, A replaced by C.
Protein change: p.Asp964Ala; replaces aspartic acid 964 with alanine.
Molecular consequence: missense variant.
Genome position (GRCh38, 1-based): chr4:168,921,574, A>C. VCF-style: chr4-168921574-A-C. GRCh37 (hg19) VCF-style: chr4-169842725-A-C.
Other names: c.1694A>C, p.Asp565Ala (NM_001166109.2); c.1379A>C, p.Asp460Ala (NM_001166110.2); c.719A>C, p.Asp240Ala (NM_001367567.1, NM_001367569.1); c.770A>C, p.Asp257Ala (NM_001367568.1, NM_001367570.1); c.2840A>C, p.Asp947Ala (NM_016081.4); short protein forms D947A, D964A, D257A, D565A, D240A, D460A.
Identifiers: ClinVar variation 348044 (VCV000348044.15), dbSNP rs750112132, ClinGen allele CA3135984.

ClinVar aggregate classification (germline): Conflicting classifications of pathogenicity. Review status: criteria provided, conflicting classifications (1 of 4 stars). 3 submissions from 3 submitters: Uncertain significance (2); Likely benign (1). Last evaluated 2024-11-22.

Conditions:
Pancreatic adenocarcinoma. Identifiers: MedGen C0281361, MONDO:0006047, HP:0006725.
Pancreatic cancer, susceptibility to, 1. Identifiers: Orphanet 1333, MedGen C1847351, MONDO:0011739, OMIM 606856.

Allele frequency attached by ClinVar (database versions not stated): ExAC 0.00002; gnomAD exomes 0.00002.
gnomAD v4.1: 13 of 1,609,124 alleles (0.00081%); highest among the groups gnomAD compares: Non-Finnish European, 0.0011%; no homozygotes.

Submissions (3):

Ambry Genetics
Classification: Uncertain significance. Last evaluated: 2024-11-22. Review status: criteria provided, single submitter. Criteria: Ambry Variant Classification Scheme 2023. Collection method: clinical testing. Allele origin: germline.
Comment: The p.D460A variant (also known as c.1379A>C), located in coding exon 8 of the PALLD gene, results from an A to C substitution at nucleotide position 1379. The aspartic acid at codon 460 is replaced by alanine, an amino acid with dissimilar properties. This amino acid position is conserved. In addition, the in silico prediction for this alteration is inconclusive. Based on the available evidence, the clinical significance of this variant remains unclear.

Labcorp Genetics (formerly Invitae), Labcorp
Classification: Uncertain significance for Pancreatic adenocarcinoma. Last evaluated: 2024-06-21. Review status: criteria provided, single submitter. Criteria: Invitae Variant Classification Sherloc (09022015). Collection method: clinical testing. Allele origin: germline.
Comment: This sequence change replaces aspartic acid, which is acidic and polar, with alanine, which is neutral and non-polar, at codon 460 of the PALLD protein (p.Asp460Ala). This variant is present in population databases (rs750112132, gnomAD 0.003%). This variant has not been reported in the literature in individuals affected with PALLD-related conditions. ClinVar contains an entry for this variant (Variation ID: 348044). An algorithm developed to predict the effect of missense changes on protein structure and function (PolyPhen-2) suggests that this variant is likely to be disruptive. In summary, the available evidence is currently insufficient to determine the role of this variant in disease. Therefore, it has been classified as a Variant of Uncertain Significance.

Illumina Laboratory Services, Illumina
Classification: Likely benign for Pancreatic cancer, susceptibility to, 1. Last evaluated: 2018-01-12. Review status: criteria provided, single submitter. Criteria: ICSL Variant Classification Criteria 13 December 2019. Collection method: clinical testing. Allele origin: germline.
Comment: This variant was observed in the ICSL laboratory as part of a predisposition screen in an ostensibly healthy population. It had not been previously curated by ICSL or reported in the Human Gene Mutation Database (HGMD: prior to June 1st, 2018), and was therefore a candidate for classification through an automated scoring system. Utilizing variant allele frequency, disease prevalence and penetrance estimates, and inheritance mode, an automated score was calculated to assess if this variant is too frequent to cause the disease. Based on the score and internal cut-off values, a variant classified as likely benign is not then subjected to further curation. The score for this variant resulted in a classification of likely benign for this disease.